The following is an entry in ClinVar:

NC_000006.12:g.(?_65332314)_(65353627_?)dup

Gene: EYS (eyes shut homolog; minus strand). Cytogenetic location: 6q12.
Variant type: Duplication.
Identifiers: ClinVar variation 830558 (VCV000830558.4).

ClinVar aggregate classification (germline): Likely pathogenic (1 of 4 stars; one submission).

Submission:

Labcorp Genetics (formerly Invitae), Labcorp
Classification: Likely pathogenic. Last evaluated: 2020-07-12. Review status: criteria provided, single submitter. Criteria: Invitae Variant Classification Sherloc (09022015). Collection method: clinical testing. Allele origin: germline.
Comment: This variant results in a copy number gain of the genomic region encompassing exons 9-11 of the EYS gene. While the exact position of this variant cannot be determined from this data, sub-genic copy number gains are generally in tandem (PMID: 25640679) and may result in an absent or disrupted protein product. This variant has not been reported in the literature in individuals with EYS-related conditions. Loss-of-function variants in EYS are known to be pathogenic (PMID: 18836446, 20333770). In summary, the currently available evidence indicates that the variant is pathogenic, but additional data are needed to prove that conclusively. Therefore, this variant has been classified as Likely Pathogenic.

Literature cited by the submitters: PubMed 25640679; PubMed 18836446; PubMed 20333770.